The following is an entry in ClinVar:

ClinVar aggregate classification (germline): Uncertain significance (1 of 4 stars; one submission).

Conditions:
Familial cancer of breast. Also called: hereditary breast carcinoma; BREAST CANCER, FAMILIAL; Hereditary breast cancer. Identifiers: Orphanet 227535, MedGen C0346153, MONDO:0016419, OMIM 114480. Disease mechanism: loss of function.
Fanconi anemia complementation group J. Also called: BRIP1-Related Fanconi Anemia. Identifiers: Orphanet 84, MedGen C1836860, MONDO:0012187, OMIM 609054.

Submission:

Labcorp Genetics (formerly Invitae), Labcorp
Classification: Uncertain significance for Familial cancer of breast; Fanconi anemia complementation group J. Last evaluated: 2023-12-22. Review status: criteria provided, single submitter. Criteria: Invitae Variant Classification Sherloc (09022015). Collection method: clinical testing. Allele origin: germline.
Comment: This sequence change replaces glycine, which is neutral and non-polar, with glutamic acid, which is acidic and polar, at codon 307 of the BRIP1 protein (p.Gly307Glu). This variant is not present in population databases (gnomAD no frequency). This variant has not been reported in the literature in individuals affected with BRIP1-related conditions. ClinVar contains an entry for this variant (Variation ID: 644456). An algorithm developed to predict the effect of missense changes on protein structure and function (PolyPhen-2) suggests that this variant is likely to be disruptive. In summary, the available evidence is currently insufficient to determine the role of this variant in disease. Therefore, it has been classified as a Variant of Uncertain Significance.

NM_032043.3(BRIP1):c.920G>A (p.Gly307Glu)

Gene: BRIP1 (BRCA1 interacting DNA helicase 1; minus strand). Cytogenetic location: 17q23.2.
Variant type: single nucleotide variant.
Coding change: c.920G>A on transcript NM_032043.3 (MANE Select); coding-DNA position 920, G replaced by A.
Protein change: p.Gly307Glu; replaces glycine 307 with glutamic acid.
Molecular consequence: missense variant.
Genome position (GRCh38, 1-based): chr17:61,801,473, C>T on the plus strand (G>A on the coding strand, the complement: BRIP1 is on the minus strand). VCF-style: chr17-61801473-C-T. GRCh37 (hg19) VCF-style: chr17-59878834-C-T.
Other names: short protein forms G307E.
Identifiers: ClinVar variation 644456 (VCV000644456.9), dbSNP rs1603343427, ClinGen allele CA400484329.